The following is an entry in ClinVar:

NM_000088.4(COL1A1):c.3652G>C (p.Ala1218Pro)

Gene: COL1A1 (collagen type I alpha 1 chain; minus strand). Cytogenetic location: 17q21.33.
Variant type: single nucleotide variant.
Coding change: c.3652G>C on transcript NM_000088.4 (MANE Select); coding-DNA position 3652, G replaced by C.
Protein change: p.Ala1218Pro; replaces alanine 1218 with proline.
Molecular consequence: missense variant.
Genome position (GRCh38, 1-based): chr17:50,186,802, C>G on the plus strand (G>C on the coding strand, the complement: COL1A1 is on the minus strand). VCF-style: chr17-50186802-C-G. GRCh37 (hg19) VCF-style: chr17-48264163-C-G.
Other names: short protein forms A1218P.
Identifiers: ClinVar variation 429696 (VCV000429696.2), dbSNP rs72656337, ClinGen allele CA400197456.

ClinVar aggregate classification (germline): Pathogenic (1 of 4 stars; one submission).

Submission:

GeneDx
Classification: Pathogenic. Last evaluated: 2015-09-03. Review status: criteria provided, single submitter. Criteria: GeneDx Variant Classification (06012015). Collection method: clinical testing. Allele origin: germline. Affected: yes.
Comment: The A1218P substitution in the COL1A1 gene has not been reported previously as pathogenic variant nor as a benign polymorphism, to our knowledge. The A1218P variant was not observed in approximately 6500 individuals of European and African American ancestry in the NHLBI Exome Sequencing Project, indicating it is not a common benign variant in these populations. The A1218P variant is a semi-conservative amino acid substitution that occurs at a position that is conserved in mammals. In silico analysis is inconsistent in its predictions as to whether or not the variant is damaging to the protein structure/function. Missense variants in the same and nearby residues (A1218T, D1219N, D1219E) have been reported in the Human Gene Mutation Database in association with osteogenesis imperfecta (Stenson et al., 2014), supporting the functional importance of this region of the protein. We interpret A1218P as a pathogenic variant.